The following is an entry in ClinVar:

ClinVar aggregate classification (germline): Uncertain significance. Review status: criteria provided, multiple submitters, no conflicts (2 of 4 stars). 4 submissions from 4 submitters: Uncertain significance (4). Last evaluated 2026-08-04.

Conditions:
Familial adenomatous polyposis 1 (FAP1). Also called: POLYPOSIS, ADENOMATOUS INTESTINAL; FAMILIAL ADENOMATOUS POLYPOSIS 1, ATTENUATED. Identifiers: MedGen C2713442, MONDO:0021056, OMIM 175100. Disease mechanism: loss of function.
Hereditary cancer-predisposing syndrome. Also called: Neoplastic Syndromes, Hereditary; Hereditary Cancer Syndrome; Hereditary neoplastic syndrome; Tumor predisposition. Identifiers: Orphanet 140162, MedGen C0027672, MeSH D009386, MONDO:0015356.

Allele frequency attached by ClinVar (database versions not stated): gnomAD exomes below 0.00001; TOPMed below 0.00001; gnomAD 0.00001.
gnomAD v4.1: 4 of 1,614,026 alleles (0.00025%); highest among the groups gnomAD compares: African/African-American, 0.0013%; no homozygotes.

Submissions (4):

Ambry Genetics
Classification: Uncertain significance for Hereditary cancer-predisposing syndrome. Last evaluated: 2026-08-04. Review status: criteria provided, single submitter. Criteria: Ambry Variant Classification Scheme 2023. Collection method: clinical testing. Allele origin: germline.

Labcorp Genetics (formerly Invitae), Labcorp
Classification: Uncertain significance for Familial adenomatous polyposis 1. Last evaluated: 2024-07-21. Review status: criteria provided, single submitter. Criteria: Invitae Variant Classification Sherloc (09022015). Collection method: clinical testing. Allele origin: germline.
Comment: This sequence change replaces methionine, which is neutral and non-polar, with threonine, which is neutral and polar, at codon 330 of the APC protein (p.Met330Thr). This variant is not present in population databases (gnomAD no frequency). This variant has not been reported in the literature in individuals affected with APC-related conditions. ClinVar contains an entry for this variant (Variation ID: 649918). Advanced modeling of protein sequence and biophysical properties (such as structural, functional, and spatial information, amino acid conservation, physicochemical variation, residue mobility, and thermodynamic stability) performed at Invitae indicates that this missense variant is not expected to disrupt APC protein function with a negative predictive value of 95%. In summary, the available evidence is currently insufficient to determine the role of this variant in disease. Therefore, it has been classified as a Variant of Uncertain Significance.

Color Diagnostics, LLC DBA Color Health
Classification: Uncertain significance for Hereditary cancer-predisposing syndrome. Last evaluated: 2024-03-06. Review status: criteria provided, single submitter. Criteria: ACMG Guidelines, 2015. Collection method: clinical testing. Allele origin: germline.
Comment: This missense variant replaces methionine with threonine at codon 330 of the APC protein. Computational prediction is inconclusive regarding the impact of this variant on protein structure and function (internally defined REVEL score threshold 0.5 < inconclusive < 0.7, PMID: 27666373). Splice site prediction tools suggest that this variant may not impact RNA splicing. To our knowledge, functional studies have not been performed for this variant. This variant has not been reported in individuals affected with hereditary cancer in the literature. This variant has not been identified in the general population by the Genome Aggregation Database (gnomAD). The available evidence is insufficient to determine the role of this variant in disease conclusively. Therefore, this variant is classified as a Variant of Uncertain Significance.

Women's Health and Genetics/Laboratory Corporation of America, LabCorp
Classification: Uncertain significance. Last evaluated: 2022-09-04. Review status: criteria provided, single submitter. Criteria: LabCorp Variant Classification Summary - May 2015. Collection method: clinical testing. Allele origin: germline.

NM_000038.6(APC):c.989T>C (p.Met330Thr)

Gene: APC (APC regulator of Wnt signaling pathway; plus strand). Cytogenetic location: 5q22.2.
Variant type: single nucleotide variant.
Coding change: c.989T>C on transcript NM_000038.6 (MANE Select); coding-DNA position 989, T replaced by C.
Protein change: p.Met330Thr; replaces methionine 330 with threonine.
Molecular consequence: missense variant. On other transcripts: intron variant (4).
Genome position (GRCh38, 1-based): chr5:112,819,021, T>C. VCF-style: chr5-112819021-T-C. GRCh37 (hg19) VCF-style: chr5-112154718-T-C.
Other names: c.989T>C, p.Met330Thr (NM_001127510.3, NM_001354895.2, NM_001354896.2); c.935T>C, p.Met312Thr (NM_001127511.3); c.1019T>C, p.Met340Thr (NM_001354897.2); c.914T>C, p.Met305Thr (NM_001354898.2); c.905T>C, p.Met302Thr (NM_001354899.2); c.812T>C, p.Met271Thr (NM_001354900.2, NM_001354901.2); c.140T>C, p.Met47Thr (NM_001354906.2); c.964-248T>C (NM_001354902.2); and 3 more; short protein forms M312T, M340T, M271T, M330T, M47T, M302T, M305T.
Identifiers: ClinVar variation 649918 (VCV000649918.20), dbSNP rs1554079959, ClinGen allele CA16023478.
Genomic context (GRCh38, chr5:112,819,021, plus strand): 5'-CACAGGTGGAAATGGTGTATTCATTGTTGTCAATGCTTGGTACTCATGATAAGGATGATA[T>C]GTCGCGAACTTTGCTAGCTATGTCTAGCTCCCAAGACAGCTGTATATCCATGCGACAGTC-3'
Protein context (NP_000029.2, residues 320-340): SMLGTHDKDD[Met330Thr]SRTLLAMSSS